The following is an entry in ClinVar:

ClinVar aggregate classification (germline): Pathogenic (1 of 4 stars; one submission).

Submission:

Labcorp Genetics (formerly Invitae), Labcorp
Classification: Pathogenic. Last evaluated: 2023-11-27. Review status: criteria provided, single submitter. Criteria: Invitae Variant Classification Sherloc (09022015). Collection method: clinical testing. Allele origin: germline.
Comment: This sequence change creates a premature translational stop signal (p.Gln385*) in the RELA gene. While this is not anticipated to result in nonsense mediated decay, it is expected to disrupt the last 167 amino acid(s) of the RELA protein. This variant is not present in population databases (gnomAD no frequency). This premature translational stop signal has been observed in individual(s) with chronic mucocutaneous ulceration (PMID: 6926348, 36926348). It has also been observed to segregate with disease in related individuals. ClinVar contains an entry for this variant (Variation ID: 1452423). This variant disrupts a region of the RELA protein in which other variant(s) (p.His487Thrfs*7) have been determined to be pathogenic (PMID: 32969189). This suggests that this is a clinically significant region of the protein, and that variants that disrupt it are likely to be disease-causing. For these reasons, this variant has been classified as Pathogenic.

Literature cited by the submitters: PubMed 6926348; PubMed 36926348; PubMed 32969189.

NM_021975.4(RELA):c.1153C>T (p.Gln385Ter)

Gene: RELA (RELA proto-oncogene, NF-kB subunit; minus strand). Cytogenetic location: 11q13.1.
Variant type: single nucleotide variant.
Coding change: c.1153C>T on transcript NM_021975.4 (MANE Select); coding-DNA position 1153, C replaced by T.
Protein change: p.Gln385Ter; replaces glutamine 385 with a stop codon.
Molecular consequence: nonsense. On other transcripts: intron variant (1).
Genome position (GRCh38, 1-based): chr11:65,654,881, G>A on the plus strand (C>T on the coding strand, the complement: RELA is on the minus strand). VCF-style: chr11-65654881-G-A. GRCh37 (hg19) VCF-style: chr11-65422352-G-A.
Other names: c.1144C>T, p.Gln382Ter (NM_001145138.2); c.1153C>T, p.Gln385Ter (NM_001243985.2); c.1034-88C>T (NM_001243984.2); short protein forms Q385*, Q382*.
Identifiers: ClinVar variation 1452423 (VCV001452423.8), dbSNP rs2135549951, ClinGen allele CA381387953.